The following is an entry in ClinVar:

ClinVar aggregate classification (germline): Uncertain significance. Review status: criteria provided, multiple submitters, no conflicts (2 of 4 stars). 2 submissions from 2 submitters: Uncertain significance (2). Last evaluated 2025-09-26.

Conditions:
Hereditary cancer-predisposing syndrome. Also called: Tumor predisposition; Neoplastic Syndromes, Hereditary; Hereditary neoplastic syndrome; Hereditary Cancer Syndrome. Identifiers: Orphanet 140162, MedGen C0027672, MeSH D009386, MONDO:0015356.

Allele frequency attached by ClinVar (database versions not stated): gnomAD exomes below 0.00001.
gnomAD v4.1: 1 of 1,613,524 alleles (0.000062%); highest among the groups gnomAD compares: Non-Finnish European, 0.000085%; no homozygotes.

Submissions (2):

Ambry Genetics
Classification: Uncertain significance for Hereditary cancer-predisposing syndrome. Last evaluated: 2025-09-26. Review status: criteria provided, single submitter. Criteria: Ambry Variant Classification Scheme 2023. Collection method: clinical testing. Allele origin: germline.
Comment: The p.S48C variant (also known as c.143C>G), located in coding exon 2 of the CTNNA1 gene, results from a C to G substitution at nucleotide position 143. The serine at codon 48 is replaced by cysteine, an amino acid with dissimilar properties. This amino acid position is conserved. In addition, the in silico prediction for this alteration is inconclusive. Since supporting evidence is limited at this time, the clinical significance of this alteration remains unclear.

Labcorp Genetics (formerly Invitae), Labcorp
Classification: Uncertain significance. Last evaluated: 2023-09-05. Review status: criteria provided, single submitter. Criteria: Invitae Variant Classification Sherloc (09022015). Collection method: clinical testing. Allele origin: germline.
Comment: In summary, the available evidence is currently insufficient to determine the role of this variant in disease. Therefore, it has been classified as a Variant of Uncertain Significance. Advanced modeling of protein sequence and biophysical properties (such as structural, functional, and spatial information, amino acid conservation, physicochemical variation, residue mobility, and thermodynamic stability) has been performed at Invitae for this missense variant, however the output from this modeling did not meet the statistical confidence thresholds required to predict the impact of this variant on CTNNA1 protein function. ClinVar contains an entry for this variant (Variation ID: 1515715). This variant has not been reported in the literature in individuals affected with CTNNA1-related conditions. This variant is not present in population databases (gnomAD no frequency). This sequence change replaces serine, which is neutral and polar, with cysteine, which is neutral and slightly polar, at codon 48 of the CTNNA1 protein (p.Ser48Cys).

NM_001903.5(CTNNA1):c.143C>G (p.Ser48Cys)

Gene: CTNNA1 (catenin alpha 1; plus strand). Cytogenetic location: 5q31.2.
Variant type: single nucleotide variant.
Coding change: c.143C>G on transcript NM_001903.5 (MANE Select); coding-DNA position 143, C replaced by G.
Protein change: p.Ser48Cys; replaces serine 48 with cysteine.
Molecular consequence: missense variant. On other transcripts: 5 prime UTR variant (1), intron variant (1).
Genome position (GRCh38, 1-based): chr5:138,783,214, C>G. VCF-style: chr5-138783214-C-G. GRCh37 (hg19) VCF-style: chr5-138118903-C-G.
Other names: c.143C>G (NM_001903.2); c.143C>G, p.Ser48Cys (NM_001290307.3, NM_001323982.2, NM_001323983.1 and 3 more transcripts); c.-64C>G (NM_001290310.3); c.-9+1185C>G (NM_001290309.3); short protein forms S48C.
Identifiers: ClinVar variation 1515715 (VCV001515715.10), dbSNP rs1580984089, ClinGen allele CA361477338.
Genomic context (GRCh38, chr5:138,783,214, plus strand): 5'-AATGTTAAAAATGAAACTTTTAGGTTACAACCCTTGTAAACACCAATAGTAAAGGGCCCT[C>G]TAATAAGAAGAGAGGTCGTTCTAAGAAGGCCCATGTTTTGGCTGCATCTGTTGAACAAGC-3'
Protein context (NP_001894.2, residues 38-58): TLVNTNSKGP[Ser48Cys]NKKRGRSKKA